The following is an entry in ClinVar:

NM_007129.5(ZIC2):c.417C>T (p.Phe139=)

Gene: ZIC2 (Zic family member 2; plus strand). Cytogenetic location: 13q32.3.
Variant type: single nucleotide variant.
Coding change: c.417C>T on transcript NM_007129.5 (MANE Select); coding-DNA position 417, C replaced by T.
Protein change: p.Phe139=; no amino-acid change (phenylalanine 139 retained).
Molecular consequence: synonymous variant.
Genome position (GRCh38, 1-based): chr13:99,982,481, C>T. VCF-style: chr13-99982481-C-T. GRCh37 (hg19) VCF-style: chr13-100634735-C-T.
Identifiers: ClinVar variation 3031977 (VCV003031977.2), dbSNP rs2152162454, ClinGen allele CA484759815.
Genomic context (GRCh38, chr13:99,982,481, plus strand): 5'-CCTGTTCCGCAGCCGCGGCTTCGGGGACTCGGCGCCGGGCGGCGGGCAGCACGGGCTGTT[C>T]GGGCCGGGCGCGGGCGGCCTGCACCACGCGCACTCGGACGCGCAGGGCCACCTCCTCTTC-3'
Protein context (NP_009060.2, residues 129-149): SAPGGGQHGL[Phe139=]GPGAGGLHHA

ClinVar aggregate classification (germline): Likely benign (0 of 4 stars; one submission).

Conditions:
ZIC2-related disorder. Also called: ZIC2-related condition.

Submission:

PreventionGenetics, part of Exact Sciences
Classification: Likely benign for ZIC2-related condition. Last evaluated: 2020-10-12. Review status: no assertion criteria provided. Collection method: clinical testing. Allele origin: germline.
Comment: This variant is classified as likely benign based on ACMG/AMP sequence variant interpretation guidelines (Richards et al. 2015 PMID: 25741868, with internal and published modifications).